The following is an entry in ClinVar:

ClinVar aggregate classification (germline): Pathogenic (1 of 4 stars; one submission).

Submission:

Labcorp Genetics (formerly Invitae), Labcorp
Classification: Pathogenic. Last evaluated: 2021-05-13. Review status: criteria provided, single submitter. Criteria: Invitae Variant Classification Sherloc (09022015). Collection method: clinical testing. Allele origin: germline.
Comment: Loss-of-function variants in ACAD9 are known to be pathogenic (PMID: 25721401). For these reasons, this variant has been classified as Pathogenic. This variant has not been reported in the literature in individuals with ACAD9-related conditions. This sequence change creates a premature translational stop signal (p.Tyr406*) in the ACAD9 gene. It is expected to result in an absent or disrupted protein product. This variant is not present in population databases (ExAC no frequency).

Literature cited by the submitters: PubMed 25721401.

NM_014049.5(ACAD9):c.1218C>A (p.Tyr406Ter)

Gene: ACAD9 (acyl-CoA dehydrogenase family member 9; plus strand). Cytogenetic location: 3q21.3.
Variant type: single nucleotide variant.
Coding change: c.1218C>A on transcript NM_014049.5 (MANE Select); coding-DNA position 1218, C replaced by A.
Protein change: p.Tyr406Ter; replaces tyrosine 406 with a stop codon.
Molecular consequence: nonsense. On other transcripts: non-coding transcript variant (1).
Genome position (GRCh38, 1-based): chr3:128,906,189, C>A. VCF-style: chr3-128906189-C-A. GRCh37 (hg19) VCF-style: chr3-128625032-C-A.
Other names: short protein forms Y406*.
Identifiers: ClinVar variation 1069262 (VCV001069262.7), dbSNP rs2107659507, ClinGen allele CA354437163.